The following is an entry in ClinVar:

ClinVar aggregate classification (germline): Pathogenic (1 of 4 stars; one submission).

Conditions:
Pyknodysostosis. Also called: Pycnodysostosis. Identifiers: Orphanet 763, MedGen C0238402, MONDO:0009940, OMIM 265800.

Submission:

Myriad Genetics, Inc.
Classification: Pathogenic for Pyknodysostosis. Last evaluated: 2025-11-13. Review status: criteria provided, single submitter. Criteria: Myriad Autosomal Dominant, Autosomal Recessive and X-Linked Classification Criteria (2023). Collection method: clinical testing. Allele origin: unknown.
Comment: NM_000396.3(CTSK):c.312delC(D104Efs*57) is expected to be pathogenic in the context of pycnodysostosis. This variant is predicted to lead to an abnormal or absent protein product due to the creation of a premature termination codon in CTSK, a gene where loss-of-function variants are known to be pathogenic. Please note: this variant was assessed in the context of healthy population screening.

NM_000396.4(CTSK):c.312del (p.Asp104fs)

Gene: CTSK (cathepsin K; minus strand). Cytogenetic location: 1q21.3.
Variant type: Deletion.
Coding change: c.312del on transcript NM_000396.4 (MANE Select); coding-DNA position 312, one base deleted (C; older notation c.312delC).
Protein change: p.Asp104fs; shifts the reading frame from aspartic acid 104.
Molecular consequence: frameshift variant.
Genome position (GRCh38, 1-based): chr1:150,805,948, G deleted on the plus strand (C on the coding strand, the reverse complement: CTSK is on the minus strand). VCF-style (leftmost placement, unchanged base first): chr1-150805947-TG-T. GRCh37 (hg19) VCF-style: chr1-150778423-TG-T.
Other names: short protein forms D104fs.
Identifiers: ClinVar variation 5015205 (VCV005015205.1).